The following is an entry in ClinVar:

NM_177438.3(DICER1):c.1858G>A (p.Asp620Asn)

Gene: DICER1 (dicer 1, ribonuclease III; minus strand). Cytogenetic location: 14q32.13.
Variant type: single nucleotide variant.
Coding change: c.1858G>A on transcript NM_177438.3 (MANE Select); coding-DNA position 1858, G replaced by A.
Protein change: p.Asp620Asn; replaces aspartic acid 620 with asparagine.
Molecular consequence: missense variant.
Genome position (GRCh38, 1-based): chr14:95,115,716, C>T on the plus strand (G>A on the coding strand, the complement: DICER1 is on the minus strand). VCF-style: chr14-95115716-C-T. GRCh37 (hg19) VCF-style: chr14-95582053-C-T.
Other names: c.1858G>A, p.Asp620Asn (NM_001195573.1, NM_001271282.3, NM_001291628.2 and 1 more transcripts); short protein forms D620N.
Identifiers: ClinVar variation 958269 (VCV000958269.13), dbSNP rs1892381031, ClinGen allele CA390883977.

ClinVar aggregate classification (germline): Conflicting classifications of pathogenicity. Review status: criteria provided, conflicting classifications (1 of 4 stars). 2 submissions from 2 submitters: Uncertain significance (1); Likely benign (1). Last evaluated 2025-05-05.

Conditions:
Hereditary cancer-predisposing syndrome. Also called: Hereditary neoplastic syndrome; Tumor predisposition; Neoplastic Syndromes, Hereditary; Hereditary Cancer Syndrome. Identifiers: Orphanet 140162, MedGen C0027672, MeSH D009386, MONDO:0015356.
DICER1-related tumor predisposition. Also called: DICER1 syndrome; DICER1-related pleuropulmonary blastoma cancer predisposition syndrome. Identifiers: Orphanet 284343, MedGen C3839822, MONDO:0100216.

Allele frequency attached by ClinVar (database versions not stated): gnomAD exomes below 0.00001.
gnomAD v4.1: 2 of 1,614,134 alleles (0.00012%); highest among the groups gnomAD compares: Non-Finnish European, 0.00017%; no homozygotes.

Submissions (2):

Labcorp Genetics (formerly Invitae), Labcorp
Classification: Uncertain significance for DICER1-related tumor predisposition. Last evaluated: 2025-05-05. Review status: criteria provided, single submitter. Criteria: Invitae Variant Classification Sherloc (09022015). Collection method: clinical testing. Allele origin: germline.
Comment: This sequence change replaces aspartic acid, which is acidic and polar, with asparagine, which is neutral and polar, at codon 620 of the DICER1 protein (p.Asp620Asn). This variant is not present in population databases (gnomAD no frequency). This variant has not been reported in the literature in individuals affected with DICER1-related conditions. ClinVar contains an entry for this variant (Variation ID: 958269). Invitae Evidence Modeling of protein sequence and biophysical properties (such as structural, functional, and spatial information, amino acid conservation, physicochemical variation, residue mobility, and thermodynamic stability) indicates that this missense variant is not expected to disrupt DICER1 protein function with a negative predictive value of 95%. In summary, the available evidence is currently insufficient to determine the role of this variant in disease. Therefore, it has been classified as a Variant of Uncertain Significance.

Ambry Genetics
Classification: Likely benign for Hereditary cancer-predisposing syndrome. Last evaluated: 2025-01-21. Review status: criteria provided, single submitter. Criteria: Ambry Variant Classification Scheme 2023. Collection method: clinical testing. Allele origin: germline.